The following is an entry in ClinVar:

ClinVar aggregate classification (germline): Uncertain significance. Review status: criteria provided, multiple submitters, no conflicts (2 of 4 stars). 3 submissions from 3 submitters: Uncertain significance (3). Last evaluated 2024-04-23.

Conditions:
Cardiovascular phenotype. Identifiers: MedGen CN230736.
Progressive familial heart block type IB (PFHB1B). Identifiers: Orphanet 871, MedGen C1970298, MONDO:0011474, OMIM 604559.

Allele frequency attached by ClinVar (database versions not stated): gnomAD 0.00001; gnomAD exomes 0.00001; TOPMed 0.00001; ExAC 0.00002.
gnomAD v4.1: 14 of 1,613,834 alleles (0.00087%); highest among the groups gnomAD compares: African/African-American, 0.0013%; no homozygotes.

Submissions (3):

GeneDx
Classification: Uncertain significance. Last evaluated: 2024-04-23. Review status: criteria provided, single submitter. Criteria: GeneDx Variant Classification Process June 2021. Collection method: clinical testing. Allele origin: germline. Affected: yes.
Comment: Not observed at significant frequency in large population cohorts (gnomAD); In silico analysis indicates that this missense variant does not alter protein structure/function; Has not been previously published as pathogenic or benign to our knowledge

Labcorp Genetics (formerly Invitae), Labcorp
Classification: Uncertain significance for Progressive familial heart block type IB. Last evaluated: 2024-01-22. Review status: criteria provided, single submitter. Criteria: Invitae Variant Classification Sherloc (09022015). Collection method: clinical testing. Allele origin: germline.
Comment: This sequence change replaces aspartic acid, which is acidic and polar, with asparagine, which is neutral and polar, at codon 982 of the TRPM4 protein (p.Asp982Asn). This variant is present in population databases (rs774859499, gnomAD 0.007%). This variant has not been reported in the literature in individuals affected with TRPM4-related conditions. ClinVar contains an entry for this variant (Variation ID: 1001158). An algorithm developed to predict the effect of missense changes on protein structure and function (PolyPhen-2) suggests that this variant is likely to be tolerated. In summary, the available evidence is currently insufficient to determine the role of this variant in disease. Therefore, it has been classified as a Variant of Uncertain Significance.

Ambry Genetics
Classification: Uncertain significance for Cardiovascular phenotype. Last evaluated: 2023-07-11. Review status: criteria provided, single submitter. Criteria: Ambry Variant Classification Scheme 2023. Collection method: clinical testing. Allele origin: germline.
Comment: The p.D982N variant (also known as c.2944G>A), located in coding exon 19 of the TRPM4 gene, results from a G to A substitution at nucleotide position 2944. The aspartic acid at codon 982 is replaced by asparagine, an amino acid with highly similar properties. This amino acid position is poorly conserved in available vertebrate species. In addition, this alteration is predicted to be tolerated by in silico analysis. Since supporting evidence is limited at this time, the clinical significance of this alteration remains unclear.

NM_017636.4(TRPM4):c.2944G>A (p.Asp982Asn)

Gene: TRPM4 (transient receptor potential cation channel subfamily M member 4; plus strand). Cytogenetic location: 19q13.33.
Variant type: single nucleotide variant.
Coding change: c.2944G>A on transcript NM_017636.4 (MANE Select); coding-DNA position 2944, G replaced by A.
Protein change: p.Asp982Asn; replaces aspartic acid 982 with asparagine.
Molecular consequence: missense variant.
Genome position (GRCh38, 1-based): chr19:49,200,776, G>A. VCF-style: chr19-49200776-G-A. GRCh37 (hg19) VCF-style: chr19-49704033-G-A.
Other names: c.1336G>A, p.Asp446Asn (NM_001321282.2); c.2422G>A, p.Asp808Asn (NM_001321283.2); c.1882G>A, p.Asp628Asn (NM_001321285.2); c.2509G>A, p.Asp837Asn (NM_001195227.2); c.2599G>A, p.Asp867Asn (NM_001321281.2); c.2944G>A (NM_017636.3); short protein forms D446N, D628N, D808N, D837N, D867N, D982N.
Identifiers: ClinVar variation 1001158 (VCV001001158.12), dbSNP rs774859499, ClinGen allele CA9569713.